The following is an entry in ClinVar:

ClinVar aggregate classification (germline): Uncertain significance (1 of 4 stars; one submission).

Conditions:
Developmental and epileptic encephalopathy, 9 (DEE9). Also called: Early infantile epileptic encephalopathy 9; EPILEPSY, FEMALE-RESTRICTED, WITH MENTAL RETARDATION; JUBERG-HELLMAN SYNDROME; PCDH19-Related X-Linked Female-Limited Epilepsy with Mental Retardation. Identifiers: Orphanet 101039, Orphanet 2076, MedGen C1848137, MONDO:0010246, OMIM 300088. Disease mechanism: loss of function.

Allele frequency attached by ClinVar (database versions not stated): gnomAD exomes below 0.00001; TOPMed below 0.00001; gnomAD 0.00002.
gnomAD v4.1: 3 of 1,206,759 alleles (0.00025%); highest among the groups gnomAD compares: Non-Finnish European, 0.00034%; no homozygotes.

Submission:

Labcorp Genetics (formerly Invitae), Labcorp
Classification: Uncertain significance for Developmental and epileptic encephalopathy, 9. Last evaluated: 2020-06-20. Review status: criteria provided, single submitter. Criteria: Invitae Variant Classification Sherloc (09022015). Collection method: clinical testing. Allele origin: germline.
Comment: In summary, the available evidence is currently insufficient to determine the role of this variant in disease. Therefore, it has been classified as a Variant of Uncertain Significance. Algorithms developed to predict the effect of missense changes on protein structure and function are either unavailable or do not agree on the potential impact of this missense change (SIFT: "Deleterious"; PolyPhen-2: "Benign"; Align-GVGD: "Class C0"). This variant has not been reported in the literature in individuals with PCDH19-related disease. This variant is not present in population databases (ExAC no frequency). This sequence change replaces glutamic acid with lysine at codon 959 of the PCDH19 protein (p.Glu959Lys). The glutamic acid residue is highly conserved and there is a small physicochemical difference between glutamic acid and lysine.

NM_001184880.2(PCDH19):c.2875G>A (p.Glu959Lys)

Gene: PCDH19 (protocadherin 19; minus strand). Cytogenetic location: Xq22.1.
Variant type: single nucleotide variant.
Coding change: c.2875G>A on transcript NM_001184880.2 (MANE Select); coding-DNA position 2875, G replaced by A.
Protein change: p.Glu959Lys; replaces glutamic acid 959 with lysine.
Molecular consequence: missense variant.
Genome position (GRCh38, 1-based): chrX:100,296,849, C>T on the plus strand (G>A on the coding strand, the complement: PCDH19 is on the minus strand). VCF-style: chrX-100296849-C-T. GRCh37 (hg19) VCF-style: chrX-99551847-C-T.
Other names: c.2734G>A, p.Glu912Lys (NM_001105243.2); c.2731G>A, p.Glu911Lys (NM_020766.3); short protein forms E912K, E911K, E959K.
Identifiers: ClinVar variation 652300 (VCV000652300.9), dbSNP rs1602567417, ClinGen allele CA414000944.